The following is an entry in ClinVar:

NM_000918.4(P4HB):c.1220G>A (p.Trp407Ter)

Gene: P4HB (prolyl 4-hydroxylase subunit beta; minus strand). Cytogenetic location: 17q25.3.
Variant type: single nucleotide variant.
Coding change: c.1220G>A on transcript NM_000918.4 (MANE Select); coding-DNA position 1220, G replaced by A.
Protein change: p.Trp407Ter; replaces tryptophan 407 with a stop codon.
Molecular consequence: nonsense.
Genome position (GRCh38, 1-based): chr17:81,845,700, C>T on the plus strand (G>A on the coding strand, the complement: P4HB is on the minus strand). VCF-style: chr17-81845700-C-T. GRCh37 (hg19) VCF-style: chr17-79803576-C-T.
Other names: short protein forms W407*.
Identifiers: ClinVar variation 3644040 (VCV003644040.2).

ClinVar aggregate classification (germline): Uncertain significance (1 of 4 stars; one submission).

Submission:

Labcorp Genetics (formerly Invitae), Labcorp
Classification: Uncertain significance. Last evaluated: 2024-03-01. Review status: criteria provided, single submitter. Criteria: Invitae Variant Classification Sherloc (09022015). Collection method: clinical testing. Allele origin: germline.
Comment: This sequence change creates a premature translational stop signal (p.Trp407*) in the P4HB gene. It is expected to result in an absent or disrupted protein product. However, the current clinical and genetic evidence is not sufficient to establish whether loss-of-function variants in P4HB cause disease. This variant is not present in population databases (gnomAD no frequency). This variant has not been reported in the literature in individuals affected with P4HB-related conditions. Algorithms developed to predict the effect of sequence changes on RNA splicing suggest that this variant may create or strengthen a splice site. In summary, the available evidence is currently insufficient to determine the role of this variant in disease. Therefore, it has been classified as a Variant of Uncertain Significance.